The following is an entry in ClinVar:

ClinVar aggregate classification (germline): Likely benign. Review status: criteria provided, multiple submitters, no conflicts (2 of 4 stars). 3 submissions from 3 submitters: Likely benign (3). Last evaluated 2025-08-30.

Conditions:
PLOD1-related disorder. Also called: PLOD1-related condition.
Familial thoracic aortic aneurysm and aortic dissection (TAAD). Also called: Thoracic aortic aneurysms and dissections. Identifiers: Orphanet 91387, MedGen C4707243, MONDO:0019625.
Ehlers-Danlos syndrome, kyphoscoliotic type 1 (EDSKSCL1). Also called: EHLERS-DANLOS SYNDROME, OCULAR-SCOLIOTIC TYPE; Ehlers-Danlos syndrome, hydroxylysine-deficient; PLOD1-Related Kyphoscoliotic Ehlers-Danlos Syndrome; EHLERS-DANLOS SYNDROME, TYPE VIA. Identifiers: Orphanet 1900, MedGen C0268342, MONDO:0016002, OMIM 225400. Disease mechanism: loss of function.

gnomAD v4.1: 50 of 1,613,140 alleles (0.0031%); highest among the groups gnomAD compares: Middle Eastern, 0.066%; no homozygotes.

Submissions (3):

PreventionGenetics, part of Exact Sciences
Classification: Likely benign for PLOD1-related condition. Last evaluated: 2025-08-30. Review status: criteria provided, single submitter. Criteria: ACMG Guidelines, 2015. Collection method: clinical testing. Allele origin: germline.
Comment: This variant is classified as likely benign based on ACMG/AMP sequence variant interpretation guidelines (Richards et al. 2015 PMID: 25741868, with internal and published modifications).

Labcorp Genetics (formerly Invitae), Labcorp
Classification: Likely benign for Ehlers-Danlos syndrome, kyphoscoliotic type 1. Last evaluated: 2024-12-24. Review status: criteria provided, single submitter. Criteria: Invitae Variant Classification Sherloc (09022015). Collection method: clinical testing. Allele origin: germline.

Ambry Genetics
Classification: Likely benign for Familial thoracic aortic aneurysm and aortic dissection. Last evaluated: 2019-09-08. Review status: criteria provided, single submitter. Criteria: Ambry Variant Classification Scheme 2023. Collection method: clinical testing. Allele origin: germline.

NM_000302.4(PLOD1):c.1791G>A (p.Pro597=)

Gene: PLOD1 (procollagen-lysine,2-oxoglutarate 5-dioxygenase 1; plus strand). Cytogenetic location: 1p36.22.
Variant type: single nucleotide variant.
Coding change: c.1791G>A on transcript NM_000302.4 (MANE Select); coding-DNA position 1791, G replaced by A.
Protein change: p.Pro597=; no amino-acid change (proline 597 retained).
Molecular consequence: synonymous variant.
Genome position (GRCh38, 1-based): chr1:11,970,705, G>A. VCF-style: chr1-11970705-G-A. GRCh37 (hg19) VCF-style: chr1-12030762-G-A.
Other names: c.1932G>A, p.Pro644= (NM_001316320.2).
Identifiers: ClinVar variation 1581491 (VCV001581491.11), dbSNP rs151051718, ClinGen allele CA598568.